The following is an entry in ClinVar:

ClinVar aggregate classification (germline): Uncertain significance. Review status: criteria provided, multiple submitters, no conflicts (2 of 4 stars). 3 submissions from 3 submitters: Uncertain significance (3). Last evaluated 2026-06-25.

Conditions:
PLEC-related disorder. Also called: PLEC-related disorders; PLEC-related condition.
Epidermolysis bullosa simplex 5C, with pyloric atresia (EBS5C). Also called: PLEC-Related Epidermolysis Bullosa with Pyloric Atresia; PLEC1-Related Epidermolysis Bullosa with Pyloric Atresia; Epidermolysis bullosa simplex with pyloric atresia. Identifiers: Orphanet 158684, MedGen C2677349, MONDO:0012807, OMIM 612138.
Epidermolysis bullosa simplex, Ogna type (EBS5A). Also called: Pidermolysis bullosa simplex 5A, Ogna type; EPIDERMOLYSIS BULLOSA SIMPLEX 5A, OGNA TYPE. Identifiers: Orphanet 79401, MedGen C0432317, MONDO:0007555, OMIM 131950.
Epidermolysis bullosa simplex 5B, with muscular dystrophy (EBS5B). Also called: Epidermolysis bullosa simplex with muscular dystrophy; EPIDERMOLYSIS BULLOSA SIMPLEX AND LIMB-GIRDLE MUSCULAR DYSTROPHY. Identifiers: Orphanet 257, MedGen C2931072, MONDO:0009181, OMIM 226670.
Epidermolysis bullosa simplex with nail dystrophy (EBS5D). Identifiers: MedGen C4225309, MONDO:0014661, OMIM 616487.
Autosomal recessive limb-girdle muscular dystrophy type 2Q (LGMDR17). Also called: MUSCULAR DYSTROPHY, LIMB-GIRDLE, AUTOSOMAL RECESSIVE 17. Identifiers: Orphanet 254361, MedGen C3150989, MONDO:0013390, OMIM 613723.
Inborn genetic diseases. Identifiers: MedGen C0950123, MeSH D030342.

Allele frequency attached by ClinVar (database versions not stated): gnomAD 0.00005 and 0.00006; TOPMed 0.00010.
gnomAD v4.1: 58 of 1,613,604 alleles (0.0036%); highest among the groups gnomAD compares: African/African-American, 0.011%; no homozygotes.

Submissions (3):

PreventionGenetics, part of Exact Sciences
Classification: Uncertain significance for PLEC-related condition. Last evaluated: 2026-06-25. Review status: criteria provided, single submitter. Criteria: ACMG Guidelines, 2015. Collection method: clinical testing. Allele origin: germline.
Comment: The PLEC c.12440C>T variant is predicted to result in the amino acid substitution p.Pro4147Leu. To our knowledge, this variant has not been reported in the literature. This variant is reported in 0.030% of alleles in individuals of Ashkenazi Jewish descent in gnomAD. At this time, the clinical significance of this variant is uncertain due to the absence of conclusive functional and genetic evidence.

Labcorp Genetics (formerly Invitae), Labcorp
Classification: Uncertain significance for Autosomal recessive limb-girdle muscular dystrophy type 2Q; Epidermolysis bullosa simplex, Ogna type; Epidermolysis bullosa simplex with nail dystrophy; Epidermolysis bullosa simplex 5C, with pyloric atresia; Epidermolysis bullosa simplex 5B, with muscular dystrophy. Last evaluated: 2026-01-24. Review status: criteria provided, single submitter. Criteria: Invitae Variant Classification Sherloc (09022015). Collection method: clinical testing. Allele origin: germline.
Comment: This sequence change replaces proline, which is neutral and non-polar, with leucine, which is neutral and non-polar, at codon 4147 of the PLEC protein (p.Pro4147Leu). This variant is present in population databases (rs782599720, gnomAD 0.03%). This variant has not been reported in the literature in individuals affected with PLEC-related conditions. ClinVar contains an entry for this variant (Variation ID: 577463). Invitae Evidence Modeling of protein sequence and biophysical properties (such as structural, functional, and spatial information, amino acid conservation, physicochemical variation, residue mobility, and thermodynamic stability) has been performed for this missense variant. However, the output from this modeling did not meet the statistical confidence thresholds required to predict the impact of this variant on PLEC protein function. In summary, the available evidence is currently insufficient to determine the role of this variant in disease. Therefore, it has been classified as a Variant of Uncertain Significance.

Ambry Genetics
Classification: Uncertain significance for Inborn genetic diseases. Last evaluated: 2025-05-20. Review status: criteria provided, single submitter. Criteria: Ambry Variant Classification Scheme 2023. Collection method: clinical testing. Allele origin: germline.

NM_201384.3(PLEC):c.12359C>T (p.Pro4120Leu)

Gene: PLEC (plectin; minus strand). Cytogenetic location: 8q24.3.
Variant type: single nucleotide variant.
Coding change: c.12359C>T on transcript NM_201384.3 (MANE Select); coding-DNA position 12359, C replaced by T.
Protein change: p.Pro4120Leu; replaces proline 4120 with leucine.
Molecular consequence: missense variant.
Genome position (GRCh38, 1-based): chr8:143,917,462, G>A on the plus strand (C>T on the coding strand, the complement: PLEC is on the minus strand). VCF-style: chr8-143917462-G-A. GRCh37 (hg19) VCF-style: chr8-144991630-G-A.
Other names: c.12440C>T, p.Pro4147Leu (NM_000445.5); c.12317C>T, p.Pro4106Leu (NM_201378.4); c.12293C>T, p.Pro4098Leu (NM_201379.3); c.12770C>T, p.Pro4257Leu (NM_201380.4); c.12263C>T, p.Pro4088Leu (NM_201381.3); c.12359C>T, p.Pro4120Leu (NM_201382.4); c.12371C>T, p.Pro4124Leu (NM_201383.3); c.12440C>T (NM_000445.3); short protein forms P4098L, P4106L, P4124L, P4257L, P4088L, P4147L, P4120L.
Identifiers: ClinVar variation 577463 (VCV000577463.11), dbSNP rs782599720, ClinGen allele CA4924106.
Genomic context (GRCh38, chr8:143,917,462, plus strand): 5'-CGGCGCTTGCGCACGGAGGACTTGGAGGACGTCTTCCGCTCCCGCTTCTTCTCCTTCAGC[G>A]GCAAGAGACACAGGCCCGTCTGGGGGTCAGTGATACAACGCTCCATCAGCTGCAGGTAGG-3'
Protein context (NP_958786.1, residues 4110-4130): TDPQTGLCLL[Pro4120Leu]LKEKKRERKT